The following is an entry in ClinVar:

NM_000939.4(POMC):c.312C>T (p.Arg104=)

Gene: POMC (proopiomelanocortin; minus strand). Cytogenetic location: 2p23.3.
Variant type: single nucleotide variant.
Coding change: c.312C>T on transcript NM_000939.4 (MANE Select); coding-DNA position 312, C replaced by T.
Protein change: p.Arg104=; no amino-acid change (arginine 104 retained).
Molecular consequence: synonymous variant.
Genome position (GRCh38, 1-based): chr2:25,161,573, G>A on the plus strand (C>T on the coding strand, the complement: POMC is on the minus strand). VCF-style: chr2-25161573-G-A. GRCh37 (hg19) VCF-style: chr2-25384442-G-A.
Other names: c.312C>T, p.Arg104= (NM_001035256.3, NM_001319204.2, NM_001319205.2).
Identifiers: ClinVar variation 3058717 (VCV003058717.2), dbSNP rs1020449183, ClinGen allele CA43684818.

ClinVar aggregate classification (germline): Likely benign (0 of 4 stars; one submission).

Conditions:
POMC-related disorder. Also called: POMC-related disorders; POMC-related condition.

Allele frequency attached by ClinVar (database versions not stated): gnomAD 0.00003; TOPMed 0.00003.
gnomAD v4.1: 14 of 1,553,528 alleles (0.0009%); highest among the groups gnomAD compares: East Asian, 0.017%; no homozygotes.

Submission:

PreventionGenetics, part of Exact Sciences
Classification: Likely benign for POMC-related condition. Last evaluated: 2023-12-19. Review status: no assertion criteria provided. Collection method: clinical testing. Allele origin: germline.
Comment: This variant is classified as likely benign based on ACMG/AMP sequence variant interpretation guidelines (Richards et al. 2015 PMID: 25741868, with internal and published modifications).